The following is an entry in ClinVar:

ClinVar aggregate classification (germline): Pathogenic (1 of 4 stars; one submission).

Submission:

Labcorp Genetics (formerly Invitae), Labcorp
Classification: Pathogenic. Last evaluated: 2022-10-04. Review status: criteria provided, single submitter. Criteria: Invitae Variant Classification Sherloc (09022015). Collection method: clinical testing. Allele origin: germline.
Comment: For these reasons, this variant has been classified as Pathogenic. Algorithms developed to predict the effect of sequence changes on RNA splicing suggest that this variant may create or strengthen a splice site. ClinVar contains an entry for this variant (Variation ID: 1069105). This variant has not been reported in the literature in individuals affected with ADGRV1-related conditions. This variant is not present in population databases (gnomAD no frequency). This sequence change creates a premature translational stop signal (p.Trp3486*) in the ADGRV1 gene. It is expected to result in an absent or disrupted protein product. Loss-of-function variants in ADGRV1 are known to be pathogenic (PMID: 19357117, 22135276, 22147658, 26226137, 30718709, 31047384, 32467589).

Literature cited by the submitters: PubMed 19357117; PubMed 22135276; PubMed 22147658; PubMed 26226137; PubMed 30718709; PubMed 31047384; PubMed 32467589.

NM_032119.4(ADGRV1):c.10457G>A (p.Trp3486Ter)

Gene: ADGRV1 (adhesion G protein-coupled receptor V1; plus strand). Cytogenetic location: 5q14.3.
Variant type: single nucleotide variant.
Coding change: c.10457G>A on transcript NM_032119.4 (MANE Select); coding-DNA position 10457, G replaced by A.
Protein change: p.Trp3486Ter; replaces tryptophan 3486 with a stop codon.
Molecular consequence: nonsense. On other transcripts: non-coding transcript variant (1).
Genome position (GRCh38, 1-based): chr5:90,729,672, G>A. VCF-style: chr5-90729672-G-A. GRCh37 (hg19) VCF-style: chr5-90025489-G-A.
Other names: short protein forms W3486*.
Identifiers: ClinVar variation 1069105 (VCV001069105.7), dbSNP rs2149818882, ClinGen allele CA360405296.